The following is an entry in ClinVar:

ClinVar aggregate classification (germline): Uncertain significance (1 of 4 stars; one submission).

Conditions:
Nephronophthisis. Also called: Juvenile Nephronophthisis. Identifiers: Orphanet 655, MedGen C0687120, MONDO:0019005, HP:0000090.

Allele frequency attached by ClinVar (database versions not stated): gnomAD exomes below 0.00001.
gnomAD v4.1: 1 of 1,609,886 alleles (0.000062%); highest among the groups gnomAD compares: Non-Finnish European, 0.000085%; no homozygotes.

Submission:

Labcorp Genetics (formerly Invitae), Labcorp
Classification: Uncertain significance for Nephronophthisis. Last evaluated: 2021-04-11. Review status: criteria provided, single submitter. Criteria: Invitae Variant Classification Sherloc (09022015). Collection method: clinical testing. Allele origin: germline.
Comment: This variant has not been reported in the literature in individuals with NPHP3-related conditions. This variant is not present in population databases (ExAC no frequency). This sequence change replaces alanine with threonine at codon 89 of the NPHP3 protein (p.Ala89Thr). The alanine residue is moderately conserved and there is a small physicochemical difference between alanine and threonine. Algorithms developed to predict the effect of missense changes on protein structure and function are either unavailable or do not agree on the potential impact of this missense change (SIFT: "Deleterious"; PolyPhen-2: "Benign"; Align-GVGD: "Class C0"). In summary, the available evidence is currently insufficient to determine the role of this variant in disease. Therefore, it has been classified as a Variant of Uncertain Significance.

NM_153240.5(NPHP3):c.265G>A (p.Ala89Thr)

Genes: NPHP3 (nephrocystin 3; minus strand), NPHP3-ACAD11 (NPHP3-ACAD11 readthrough (NMD candidate); minus strand), NPHP3-AS1 (NPHP3 antisense RNA 1; plus strand), LOC129937586 (ATAC-STARR-seq lymphoblastoid silent region 14743; plus strand). Cytogenetic location: 3q22.1.
Variant type: single nucleotide variant.
Coding change: c.265G>A on transcript NM_153240.5 (MANE Select); coding-DNA position 265, G replaced by A.
Protein change: p.Ala89Thr; replaces alanine 89 with threonine.
Molecular consequence: missense variant. On other transcripts: non-coding transcript variant (3).
Genome position (GRCh38, 1-based): chr3:132,722,091, C>T on the plus strand (G>A on the coding strand, the complement: NPHP3 is on the minus strand). VCF-style: chr3-132722091-C-T. GRCh37 (hg19) VCF-style: chr3-132440935-C-T.
Other names: short protein forms A89T.
Identifiers: ClinVar variation 1465115 (VCV001465115.8), dbSNP rs1432366479, ClinGen allele CA354589173.
Genomic context (GRCh38, chr3:132,722,091, plus strand): 5'-ACTCCTGGTTCTTGCTGACGCGAAAGATCTCGTACTCCTTCCTGAGCCGCTCGTACTCGG[C>T]CGCCGCGTACTCCAGCTCTGGCACCGACGAGCCAGTGGACTTGAAGCTGGCCCCCAGCAG-3'
Protein context (NP_694972.3, residues 79-99): SSVPELEYAA[Ala89Thr]EYERLRKEYE